The following is an entry in ClinVar:

ClinVar aggregate classification (germline): Likely benign (0 of 4 stars; one submission).

Conditions:
PTRH2-related disorder. Also called: PTRH2-related condition.

Allele frequency attached by ClinVar (database versions not stated): gnomAD exomes 0.00001; gnomAD 0.00003.
gnomAD v4.1: 13 of 1,613,964 alleles (0.00081%); highest among the groups gnomAD compares: Admixed American, 0.0017%; no homozygotes.

Submission:

PreventionGenetics, part of Exact Sciences
Classification: Likely benign for PTRH2-related condition. Last evaluated: 2019-05-31. Review status: no assertion criteria provided. Collection method: clinical testing. Allele origin: germline.
Comment: This variant is classified as likely benign based on ACMG/AMP sequence variant interpretation guidelines (Richards et al. 2015 PMID: 25741868, with internal and published modifications).

NM_016077.5(PTRH2):c.186C>T (p.Ser62=)

Gene: PTRH2 (peptidyl-tRNA hydrolase 2; minus strand). Cytogenetic location: 17q23.1.
Variant type: single nucleotide variant.
Coding change: c.186C>T on transcript NM_016077.5 (MANE Select); coding-DNA position 186, C replaced by T.
Protein change: p.Ser62=; no amino-acid change (serine 62 retained).
Molecular consequence: synonymous variant.
Genome position (GRCh38, 1-based): chr17:59,697,793, G>A on the plus strand (C>T on the coding strand, the complement: PTRH2 is on the minus strand). VCF-style: chr17-59697793-G-A. GRCh37 (hg19) VCF-style: chr17-57775154-G-A.
Other names: c.189C>T, p.Ser63= (NM_001015509.3).
Identifiers: ClinVar variation 3043794 (VCV003043794.2), dbSNP rs1037221821, ClinGen allele CA292127343.